The following is an entry in ClinVar:

ClinVar aggregate classification (germline): Pathogenic (1 of 4 stars; one submission).

Submission:

CeGaT Center for Human Genetics Tuebingen
Classification: Pathogenic. Last evaluated: 2025-08-01. Review status: criteria provided, single submitter. Criteria: CeGaT Center For Human Genetics Tuebingen Variant Classification Criteria Version 2. Collection method: clinical testing. Allele origin: germline. Affected: yes. Observed: 1 variant allele.
Comment: RAI1: PVS1, PM2

NM_030665.4(RAI1):c.3041del (p.Pro1014fs)

Gene: RAI1 (retinoic acid induced 1; plus strand). Cytogenetic location: 17p11.2.
Variant type: Deletion.
Coding change: c.3041del on transcript NM_030665.4 (MANE Select); coding-DNA position 3041, one base deleted (C; older notation c.3041delC).
Protein change: p.Pro1014fs; shifts the reading frame from proline 1014.
Molecular consequence: frameshift variant.
Genome position (GRCh38, 1-based): chr17:17,795,989, C deleted; the last of 4 consecutive C bases (chr17:17,795,986-17,795,989); deleting any one gives the same sequence. VCF-style (leftmost placement, unchanged base first): chr17-17795985-TC-T. GRCh37 (hg19) VCF-style: chr17-17699299-TC-T.
Other names: short protein forms P1014fs.
Identifiers: ClinVar variation 4085625 (VCV004085625.8).